The following is an entry in ClinVar:

ClinVar aggregate classification (germline): Uncertain significance (1 of 4 stars; one submission).

Conditions:
Hereditary cancer-predisposing syndrome. Also called: Hereditary neoplastic syndrome; Neoplastic Syndromes, Hereditary; Tumor predisposition; Hereditary Cancer Syndrome. Identifiers: Orphanet 140162, MedGen C0027672, MeSH D009386, MONDO:0015356.

Submission:

Ambry Genetics
Classification: Uncertain significance for Hereditary cancer-predisposing syndrome. Last evaluated: 2025-03-08. Review status: criteria provided, single submitter. Criteria: Ambry Variant Classification Scheme 2023. Collection method: clinical testing. Allele origin: germline.
Comment: The p.V212L variant (also known as c.634G>T), located in coding exon 6 of the EPCAM gene, results from a G to T substitution at nucleotide position 634. The valine at codon 212 is replaced by leucine, an amino acid with highly similar properties. This amino acid position is conserved. In addition, the in silico prediction for this alteration is inconclusive. Based on the available evidence, the clinical significance of this variant remains unclear.

NM_002354.3(EPCAM):c.634G>T (p.Val212Leu)

Gene: EPCAM (epithelial cell adhesion molecule; plus strand). Cytogenetic location: 2p21.
Variant type: single nucleotide variant.
Coding change: c.634G>T on transcript NM_002354.3 (MANE Select); coding-DNA position 634, G replaced by T.
Protein change: p.Val212Leu; replaces valine 212 with leucine.
Molecular consequence: missense variant.
Genome position (GRCh38, 1-based): chr2:47,379,031, G>T. VCF-style: chr2-47379031-G-T. GRCh37 (hg19) VCF-style: chr2-47606170-G-T.
Other names: short protein forms V212L.
Identifiers: ClinVar variation 3845314 (VCV003845314.1).